The following is an entry in ClinVar:

NM_001378183.1(PIEZO2):c.8233G>A (p.Val2745Ile)

Gene: PIEZO2 (piezo type mechanosensitive ion channel component 2; minus strand). Cytogenetic location: 18p11.22.
Variant type: single nucleotide variant.
Coding change: c.8233G>A on transcript NM_001378183.1 (MANE Select); coding-DNA position 8233, G replaced by A.
Protein change: p.Val2745Ile; replaces valine 2745 with isoleucine.
Molecular consequence: missense variant.
Genome position (GRCh38, 1-based): chr18:10,672,802, C>T on the plus strand (G>A on the coding strand, the complement: PIEZO2 is on the minus strand). VCF-style: chr18-10672802-C-T. GRCh37 (hg19) VCF-style: chr18-10672799-C-T.
Other names: c.7969G>A, p.Val2657Ile (NM_001410871.1); c.7894G>A, p.Val2632Ile (NM_022068.4); short protein forms V2632I, V2657I, V2745I.
Identifiers: ClinVar variation 3902653 (VCV003902653.1).
Genomic context (GRCh38, chr18:10,672,802, plus strand): 5'-CCACCAGTTCCAGGGCCTGAGAGTTCGGATTGTATATTCTGTTTCCAGTCAGGTTGAGAA[C>T]CCACCACTCACTGTTATATTTAGTTGTATTGTCTCTGGACAAAATGATGGTAATATCCAT-3'
Protein context (NP_001365112.1, residues 2735-2755): NTTKYNSEWW[Val2745Ile]LNLTGNRIYN

ClinVar aggregate classification (germline): Uncertain significance (1 of 4 stars; one submission).

gnomAD v4.1: 3 of 1,613,210 alleles (0.00019%); highest among the groups gnomAD compares: African/African-American, 0.0013%; no homozygotes.

Submission:

Women's Health and Genetics/Laboratory Corporation of America, LabCorp
Classification: Uncertain significance. Last evaluated: 2025-05-27. Review status: criteria provided, single submitter. Criteria: LabCorp Variant Classification Summary - May 2015. Collection method: clinical testing. Allele origin: germline.
Comment: Variant summary: PIEZO2 c.7894G>A (p.Val2632Ile) results in a conservative amino acid change in the encoded protein sequence. Algorithms developed to predict the effect of missense changes on protein structure and function are either unavailable or do not agree on the potential impact of this missense change. The variant allele was found at a frequency of 4e-06 in 251368 control chromosomes. The available data on variant occurrences in the general population are insufficient to allow any conclusion about variant significance. To our knowledge, no occurrence of c.7894G>A in individuals affected with Arthrogryposis, distal, with impaired proprioception and touch and no experimental evidence demonstrating its impact on protein function have been reported. No submitters have cited clinical-significance assessments for this variant to ClinVar. Based on the evidence outlined above, the variant was classified as uncertain significance.